The following is an entry in ClinVar:

ClinVar aggregate classification (germline): Likely pathogenic (1 of 4 stars; one submission).

Conditions:
Familial focal epilepsy with variable foci (FPEVF). Identifiers: Orphanet 98820, MedGen C1858477, MONDO:0020310.

Submission:

Labcorp Genetics (formerly Invitae), Labcorp
Classification: Likely pathogenic for Familial focal epilepsy with variable foci. Last evaluated: 2019-12-04. Review status: criteria provided, single submitter. Criteria: Invitae Variant Classification Sherloc (09022015). Collection method: clinical testing. Allele origin: germline.
Comment: Algorithms developed to predict the effect of sequence changes on RNA splicing suggest that this variant may disrupt the consensus splice site, but this prediction has not been confirmed by published transcriptional studies. This variant has not been reported in the literature in individuals with DEPDC5-related conditions. This variant is not present in population databases (ExAC no frequency). This sequence change affects an acceptor splice site in intron 6 of the DEPDC5 gene. It is expected to disrupt RNA splicing and likely results in an absent or disrupted protein product. Donor and acceptor splice site variants typically lead to a loss of protein function (PMID: 16199547), and loss-of-function variants in DEPDC5 are known to be pathogenic (PMID: 23542697, 23542701). In summary, the currently available evidence indicates that the variant is pathogenic, but additional data are needed to prove that conclusively. Therefore, this variant has been classified as Likely Pathogenic.

Literature cited by the submitters: PubMed 16199547; PubMed 23542697; PubMed 23542701.

NM_001242896.3(DEPDC5):c.364-1G>A

Gene: DEPDC5 (DEP domain containing 5, GATOR1 subcomplex subunit; plus strand). Cytogenetic location: 22q12.2.
Variant type: single nucleotide variant.
Coding change: c.364-1G>A on transcript NM_001242896.3 (MANE Select); the canonical splice acceptor site of the intron before coding-DNA position 364, G replaced by A.
Molecular consequence: splice acceptor variant.
Genome position (GRCh38, 1-based): chr22:31,768,813, G>A. VCF-style: chr22-31768813-G-A. GRCh37 (hg19) VCF-style: chr22-32164799-G-A.
Other names: c.364-1G>A (NM_001364318.2, NM_001136029.4, NM_014662.6 and 7 more transcripts); c.280-1G>A (NM_001369902.1, NM_001369901.1).
Identifiers: ClinVar variation 864474 (VCV000864474.8), dbSNP rs2083056830, ClinGen allele CA411283200.